The following is an entry in ClinVar:

NM_006648.4(WNK2):c.6186C>G (p.Phe2062Leu)

Gene: WNK2 (WNK lysine deficient protein kinase 2; plus strand). Cytogenetic location: 9q22.31.
Variant type: single nucleotide variant.
Coding change: c.6186C>G on transcript NM_006648.4 (MANE Select); coding-DNA position 6186, C replaced by G.
Protein change: p.Phe2062Leu; replaces phenylalanine 2062 with leucine.
Molecular consequence: missense variant.
Genome position (GRCh38, 1-based): chr9:93,300,121, C>G. VCF-style: chr9-93300121-C-G. GRCh37 (hg19) VCF-style: chr9-96062403-C-G.
Other names: c.6297C>G, p.Phe2099Leu (NM_001282394.3); short protein forms F2099L, F2062L.
Identifiers: ClinVar variation 4201693 (VCV004201693.1).

ClinVar aggregate classification (germline): Uncertain significance (1 of 4 stars; one submission).

Submission:

Ambry Genetics
Classification: Uncertain significance. Last evaluated: 2025-08-01. Review status: criteria provided, single submitter. Criteria: Ambry Variant Classification Scheme 2023. Collection method: clinical testing. Allele origin: germline.
Comment: The p.F2062L variant (also known as c.6186C>G), located in coding exon 25 of the WNK2 gene, results from a C to G substitution at nucleotide position 6186. The phenylalanine at codon 2062 is replaced by leucine, an amino acid with highly similar properties. This amino acid position is conserved. In addition, the in silico prediction for this alteration is inconclusive. Based on the available evidence, the clinical significance of this variant remains unclear.